The following is an entry in ClinVar:

NM_006231.4(POLE):c.3235A>G (p.Ile1079Val)

Gene: POLE (DNA polymerase epsilon, catalytic subunit; minus strand). Cytogenetic location: 12q24.33.
Variant type: single nucleotide variant.
Coding change: c.3235A>G on transcript NM_006231.4 (MANE Select); coding-DNA position 3235, A replaced by G.
Protein change: p.Ile1079Val; replaces isoleucine 1079 with valine.
Molecular consequence: missense variant.
Genome position (GRCh38, 1-based): chr12:132,659,335, T>C on the plus strand (A>G on the coding strand, the complement: POLE is on the minus strand). VCF-style: chr12-132659335-T-C. GRCh37 (hg19) VCF-style: chr12-133235921-T-C.
Other names: c.3235A>G (NM_006231.2); short protein forms I1079V.
Identifiers: ClinVar variation 540743 (VCV000540743.16), dbSNP rs775002004, ClinGen allele CA6893332.

ClinVar aggregate classification (germline): Conflicting classifications of pathogenicity. Review status: criteria provided, conflicting classifications (1 of 4 stars). 3 submissions from 3 submitters: Uncertain significance (2); Likely benign (1). Last evaluated 2026-01-12.

Conditions:
Hereditary cancer-predisposing syndrome. Also called: Neoplastic Syndromes, Hereditary; Hereditary Cancer Syndrome; Hereditary neoplastic syndrome; Tumor predisposition. Identifiers: Orphanet 140162, MedGen C0027672, MeSH D009386, MONDO:0015356.

Allele frequency attached by ClinVar (database versions not stated): gnomAD exomes below 0.00001 and 0.00001; ExAC 0.00001; TOPMed 0.00001.
gnomAD v4.1: 6 of 1,613,160 alleles (0.00037%); highest among the groups gnomAD compares: East Asian, 0.0022%; no homozygotes.

Submissions (3):

Labcorp Genetics (formerly Invitae), Labcorp
Classification: Uncertain significance. Last evaluated: 2026-01-12. Review status: criteria provided, single submitter. Criteria: Invitae Variant Classification Sherloc (09022015). Collection method: clinical testing. Allele origin: germline.
Comment: This sequence change replaces isoleucine, which is neutral and non-polar, with valine, which is neutral and non-polar, at codon 1079 of the POLE protein (p.Ile1079Val). This variant is present in population databases (rs775002004, gnomAD 0.006%). This variant has not been reported in the literature in individuals affected with POLE-related conditions. ClinVar contains an entry for this variant (Variation ID: 540743). Invitae Evidence Modeling of protein sequence and biophysical properties (such as structural, functional, and spatial information, amino acid conservation, physicochemical variation, residue mobility, and thermodynamic stability) indicates that this missense variant is not expected to disrupt POLE protein function with a negative predictive value of 80%. In summary, the available evidence is currently insufficient to determine the role of this variant in disease. Therefore, it has been classified as a Variant of Uncertain Significance.

Ambry Genetics
Classification: Likely benign for Hereditary cancer-predisposing syndrome. Last evaluated: 2025-04-15. Review status: criteria provided, single submitter. Criteria: Ambry Variant Classification Scheme 2023. Collection method: clinical testing. Allele origin: germline.

GeneDx
Classification: Uncertain significance. Last evaluated: 2024-11-18. Review status: criteria provided, single submitter. Criteria: GeneDx Variant Classification Process June 2021. Collection method: clinical testing. Allele origin: germline. Affected: yes.
Comment: Not observed at significant frequency in large population cohorts (gnomAD); In silico analysis indicates that this missense variant does not alter protein structure/function; Has not been previously published as pathogenic or benign to our knowledge